The following is an entry in ClinVar:

ClinVar aggregate classification (germline): Uncertain significance (1 of 4 stars; one submission).

Submission:

Labcorp Genetics (formerly Invitae), Labcorp
Classification: Uncertain significance. Last evaluated: 2023-04-24. Review status: criteria provided, single submitter. Criteria: Invitae Variant Classification Sherloc (09022015). Collection method: clinical testing. Allele origin: germline.
Comment: This sequence change replaces proline, which is neutral and non-polar, with histidine, which is basic and polar, at codon 1432 of the MAST1 protein (p.Pro1432His). This variant is not present in population databases (gnomAD no frequency). This variant has not been reported in the literature in individuals affected with MAST1-related conditions. ClinVar contains an entry for this variant (Variation ID: 2061008). An algorithm developed to predict the effect of missense changes on protein structure and function (PolyPhen-2) suggests that this variant is likely to be disruptive. In summary, the available evidence is currently insufficient to determine the role of this variant in disease. Therefore, it has been classified as a Variant of Uncertain Significance.

NM_014975.3(MAST1):c.4295C>A (p.Pro1432His)

Gene: MAST1 (microtubule associated serine/threonine kinase 1; plus strand). Cytogenetic location: 19p13.13.
Variant type: single nucleotide variant.
Coding change: c.4295C>A on transcript NM_014975.3 (MANE Select); coding-DNA position 4295, C replaced by A.
Protein change: p.Pro1432His; replaces proline 1432 with histidine.
Molecular consequence: missense variant.
Genome position (GRCh38, 1-based): chr19:12,874,452, C>A. VCF-style: chr19-12874452-C-A. GRCh37 (hg19) VCF-style: chr19-12985266-C-A.
Other names: short protein forms P1432H.
Identifiers: ClinVar variation 2061008 (VCV002061008.4), dbSNP rs1970287227, ClinGen allele CA404291329.
Genomic context (GRCh38, chr19:12,874,452, plus strand): 5'-TGAGCCCGGTGCAGGAACACGAGACAGGCCGGCGCAGCAGCTCTGGCGAGGCGGGCACAC[C>A]CCTGGTACCCATTGTCGTAGAGCCTGCGCGGCCCGGGGCTAAGGCTGTGGTGCCTCAGCC-3'
Protein context (NP_055790.1, residues 1422-1442): RRSSSGEAGT[Pro1432His]LVPIVVEPAR